The following is an entry in ClinVar:

NM_015338.6(ASXL1):c.4231T>A (p.Trp1411Arg)

Gene: ASXL1 (ASXL transcriptional regulator 1; plus strand). Cytogenetic location: 20q11.21.
Variant type: single nucleotide variant.
Coding change: c.4231T>A on transcript NM_015338.6 (MANE Select); coding-DNA position 4231, T replaced by A.
Protein change: p.Trp1411Arg; replaces tryptophan 1411 with arginine.
Molecular consequence: missense variant.
Genome position (GRCh38, 1-based): chr20:32,436,943, T>A. VCF-style: chr20-32436943-T-A. GRCh37 (hg19) VCF-style: chr20-31024746-T-A.
Other names: c.4048T>A, p.Trp1350Arg (NM_001363734.1); short protein forms W1350R, W1411R.
Identifiers: ClinVar variation 3957469 (VCV003957469.1).
Genomic context (GRCh38, chr20:32,436,943, plus strand): 5'-AGTCCCCTGGAACTGGTGGGTCACTTGGAAGGGATGCCCTTTGTCATGGACTTGCCCTTC[T>A]GGAAATTACCCCGAGAGCCAGGGAAGGGGCTCAGTGAGCCTCTGGAGCCTTCTTCTCTCC-3'
Protein context (NP_056153.2, residues 1401-1421): GMPFVMDLPF[Trp1411Arg]KLPREPGKGL

ClinVar aggregate classification (germline): Uncertain significance (1 of 4 stars; one submission).

Conditions:
Inborn genetic diseases. Identifiers: MedGen C0950123, MeSH D030342.

Submission:

Ambry Genetics
Classification: Uncertain significance for Inborn genetic diseases. Last evaluated: 2025-05-31. Review status: criteria provided, single submitter. Criteria: Ambry Variant Classification Scheme 2023. Collection method: clinical testing. Allele origin: germline.
Comment: The p.W1411R variant (also known as c.4231T>A), located in coding exon 13 of the ASXL1 gene, results from a T to A substitution at nucleotide position 4231. The tryptophan at codon 1411 is replaced by arginine, an amino acid with dissimilar properties. This amino acid position is conserved. In addition, the in silico prediction for this alteration is inconclusive. Based on the available evidence, the clinical significance of this variant remains unclear.